The following is an entry in ClinVar:

NM_024422.6(DSC2):c.863T>G (p.Val288Gly)

Gene: DSC2 (desmocollin 2; minus strand). Cytogenetic location: 18q12.1.
Variant type: single nucleotide variant.
Coding change: c.863T>G on transcript NM_024422.6 (MANE Select); coding-DNA position 863, T replaced by G.
Protein change: p.Val288Gly; replaces valine 288 with glycine.
Molecular consequence: missense variant.
Genome position (GRCh38, 1-based): chr18:31,086,655, A>C on the plus strand (T>G on the coding strand, the complement: DSC2 is on the minus strand). VCF-style: chr18-31086655-A-C. GRCh37 (hg19) VCF-style: chr18-28666618-A-C.
Other names: c.434T>G, p.Val145Gly (NM_001406506.1, NM_001406507.1); c.863T>G, p.Val288Gly (NM_004949.5); short protein forms V145G, V288G.
Identifiers: ClinVar variation 1764135 (VCV001764135.2), dbSNP rs778619318, ClinGen allele CA040342.

ClinVar aggregate classification (germline): Uncertain significance (1 of 4 stars; one submission).

Conditions:
Cardiovascular phenotype. Identifiers: MedGen CN230736.

Allele frequency attached by ClinVar (database versions not stated): gnomAD exomes below 0.00001; ExAC 0.00001.

Submission:

Ambry Genetics
Classification: Uncertain significance for Cardiovascular phenotype. Last evaluated: 2021-12-08. Review status: criteria provided, single submitter. Criteria: Ambry Variant Classification Scheme 2023. Collection method: clinical testing. Allele origin: germline.
Comment: The p.V288G variant (also known as c.863T>G), located in coding exon 7 of the DSC2 gene, results from a T to G substitution at nucleotide position 863. The valine at codon 288 is replaced by glycine, an amino acid with dissimilar properties. This amino acid position is conserved. In addition, this alteration is predicted to be tolerated by in silico analysis. Since supporting evidence is limited at this time, the clinical significance of this alteration remains unclear.